The following is an entry in ClinVar:

NM_138409.4(MRAP2):c.64A>G (p.Thr22Ala)

Gene: MRAP2 (melanocortin 2 receptor accessory protein 2; plus strand). Cytogenetic location: 6q14.2.
Variant type: single nucleotide variant.
Coding change: c.64A>G on transcript NM_138409.4 (MANE Select); coding-DNA position 64, A replaced by G.
Protein change: p.Thr22Ala; replaces threonine 22 with alanine.
Molecular consequence: missense variant. On other transcripts: 5 prime UTR variant (2).
Genome position (GRCh38, 1-based): chr6:84,055,382, A>G. VCF-style: chr6-84055382-A-G. GRCh37 (hg19) VCF-style: chr6-84765101-A-G.
Other names: c.-95A>G (NM_001346541.2); c.64A>G, p.Thr22Ala (NM_001346542.2, NM_001346544.2); c.-196A>G (NM_001346543.2); short protein forms T22A.
Identifiers: ClinVar variation 2628917 (VCV002628917.2), dbSNP rs1226440683, ClinGen allele CA364860161.

ClinVar aggregate classification (germline): Uncertain significance (1 of 4 stars; one submission).

Conditions:
MRAP2-related disorder. Also called: MRAP2-related condition.

Allele frequency attached by ClinVar (database versions not stated): gnomAD 0.00001; gnomAD exomes 0.00001; TOPMed below 0.00001.
gnomAD v4.1: 4 of 1,613,228 alleles (0.00025%); highest among the groups gnomAD compares: Admixed American, 0.0067%; no homozygotes.

Submission:

PreventionGenetics, part of Exact Sciences
Classification: Uncertain significance for MRAP2-related condition. Last evaluated: 2025-04-15. Review status: criteria provided, single submitter. Criteria: ACMG Guidelines, 2015. Collection method: clinical testing. Allele origin: germline.
Comment: The MRAP2 c.64A>G variant is predicted to result in the amino acid substitution p.Thr22Ala. To our knowledge, this variant has not been reported in the literature. This variant is reported in 0.0087% of alleles in individuals of Latino descent in gnomAD. At this time, the clinical significance of this variant is uncertain due to the absence of conclusive functional and genetic evidence.